The following is an entry in ClinVar:

NM_006947.4(SRP72):c.1425-3T>C

Gene: SRP72 (signal recognition particle 72; plus strand). Cytogenetic location: 4q12.
Variant type: single nucleotide variant.
Coding change: c.1425-3T>C on transcript NM_006947.4 (MANE Select); 3 bases into the intron before coding-DNA position 1425, T replaced by C.
Molecular consequence: intron variant.
Genome position (GRCh38, 1-based): chr4:56,490,565, T>C. VCF-style: chr4-56490565-T-C. GRCh37 (hg19) VCF-style: chr4-57356731-T-C.
Other names: c.1242-3T>C (NM_001267722.2).
Identifiers: ClinVar variation 2990736 (VCV002990736.3), dbSNP rs745313951, ClinGen allele CA2931366.

ClinVar aggregate classification (germline): Uncertain significance (1 of 4 stars; one submission).

Allele frequency attached by ClinVar (database versions not stated): gnomAD exomes 0.00002; ExAC 0.00003.
gnomAD v4.1: 25 of 1,613,222 alleles (0.0015%); highest among the groups gnomAD compares: South Asian, 0.028%; no homozygotes.

Submission:

Labcorp Genetics (formerly Invitae), Labcorp
Classification: Uncertain significance. Last evaluated: 2023-03-18. Review status: criteria provided, single submitter. Criteria: Invitae Variant Classification Sherloc (09022015). Collection method: clinical testing. Allele origin: germline.
Comment: In summary, the available evidence is currently insufficient to determine the role of this variant in disease. Therefore, it has been classified as a Variant of Uncertain Significance. Variants that disrupt the consensus splice site are a relatively common cause of aberrant splicing (PMID: 17576681, 9536098). Algorithms developed to predict the effect of sequence changes on RNA splicing suggest that this variant may create or strengthen a splice site. This variant has not been reported in the literature in individuals affected with SRP72-related conditions. This variant is present in population databases (rs745313951, gnomAD 0.03%). This sequence change falls in intron 14 of the SRP72 gene. It does not directly change the encoded amino acid sequence of the SRP72 protein. It affects a nucleotide within the consensus splice site.

Literature cited by the submitters: PubMed 17576681; PubMed 9536098.